The following is an entry in ClinVar:

NM_020812.4(DOCK6):c.5138T>A (p.Ile1713Asn)

Genes: DOCK6 (dedicator of cytokinesis 6; minus strand), DOCK6-AS1 (DOCK6 antisense RNA 1; plus strand). Cytogenetic location: 19p13.2.
Variant type: single nucleotide variant.
Coding change: c.5138T>A on transcript NM_020812.4 (MANE Select); coding-DNA position 5138, T replaced by A.
Protein change: p.Ile1713Asn; replaces isoleucine 1713 with asparagine.
Molecular consequence: missense variant.
Genome position (GRCh38, 1-based): chr19:11,204,282, A>T on the plus strand (T>A on the coding strand, the complement: DOCK6 is on the minus strand). VCF-style: chr19-11204282-A-T. GRCh37 (hg19) VCF-style: chr19-11314958-A-T.
Other names: c.5243T>A, p.Ile1748Asn (NM_001367830.1); short protein forms I1713N, I1748N.
Identifiers: ClinVar variation 1352366 (VCV001352366.6), dbSNP rs117562283, ClinGen allele CA9206614.

ClinVar aggregate classification (germline): Uncertain significance (1 of 4 stars; one submission).

Allele frequency attached by ClinVar (database versions not stated): gnomAD 0.00002 and 0.00004; gnomAD exomes 0.00003 and 0.00008; ExAC 0.00007; 1000 Genomes Project 30x 0.00016; ESP Exome Variant Server 0.00016; 1000 Genomes Project 0.00020.
gnomAD v4.1: 126 of 1,607,088 alleles (0.0078%); highest among the groups gnomAD compares: Non-Finnish European, 0.01%; no homozygotes.

Submission:

Labcorp Genetics (formerly Invitae), Labcorp
Classification: Uncertain significance. Last evaluated: 2021-04-09. Review status: criteria provided, single submitter. Criteria: Invitae Variant Classification Sherloc (09022015). Collection method: clinical testing. Allele origin: germline.
Comment: In summary, the available evidence is currently insufficient to determine the role of this variant in disease. Therefore, it has been classified as a Variant of Uncertain Significance. Algorithms developed to predict the effect of missense changes on protein structure and function are either unavailable or do not agree on the potential impact of this missense change (SIFT: "Deleterious"; PolyPhen-2: "Benign"; Align-GVGD: "Class C0"). This variant has not been reported in the literature in individuals with DOCK6-related conditions. This variant is present in population databases (rs117562283, ExAC 0.01%). This sequence change replaces isoleucine with asparagine at codon 1713 of the DOCK6 protein (p.Ile1713Asn). The isoleucine residue is moderately conserved and there is a large physicochemical difference between isoleucine and asparagine.